The following is an entry in ClinVar:

NM_053025.4(MYLK):c.319G>A (p.Glu107Lys)

Gene: MYLK (myosin light chain kinase; minus strand). Cytogenetic location: 3q21.1.
Variant type: single nucleotide variant.
Coding change: c.319G>A on transcript NM_053025.4 (MANE Select); coding-DNA position 319, G replaced by A.
Protein change: p.Glu107Lys; replaces glutamic acid 107 with lysine.
Molecular consequence: missense variant. On other transcripts: intron variant (1).
Genome position (GRCh38, 1-based): chr3:123,752,385, C>T on the plus strand (G>A on the coding strand, the complement: MYLK is on the minus strand). VCF-style: chr3-123752385-C-T. GRCh37 (hg19) VCF-style: chr3-123471232-C-T.
Other names: c.319G>A, p.Glu107Lys (NM_053026.4, NM_053027.4, NM_053028.4); c.-155-12384G>A (NM_001321309.2); short protein forms E107K.
Identifiers: ClinVar variation 1023170 (VCV001023170.15), dbSNP rs2063223394, ClinGen allele CA354244064.
Genomic context (GRCh38, chr3:123,752,385, plus strand): 5'-ACTCACCTTCTACTGTCAACTCCACTGTCACCTGGCGAGCACCACTGCCATTGGTGGCTT[C>T]ACAGGTATACTTTCCCCTGTCCTCCTCATGGACAGCATGAATCACAAGGCTGAAAGTCCC-3'
Protein context (NP_444253.3, residues 97-117): HEEDRGKYTC[Glu107Lys]ATNGSGARQV

ClinVar aggregate classification (germline): Uncertain significance. Review status: criteria provided, multiple submitters, no conflicts (2 of 4 stars). 4 submissions from 4 submitters: Uncertain significance (4). Last evaluated 2025-08-06.

Conditions:
Aortic aneurysm, familial thoracic 7 (AAT7). Also called: AORTIC DISSECTION, FAMILIAL, WITH OR WITHOUT AORTIC ANEURYSM. Identifiers: MedGen C3151077, MONDO:0013418, OMIM 613780.
Megacystis-microcolon-intestinal hypoperistalsis syndrome 1. Identifiers: MedGen C5542316, MONDO:0100354, OMIM 249210.
Familial thoracic aortic aneurysm and aortic dissection (TAAD). Also called: Thoracic aortic aneurysms and dissections. Identifiers: Orphanet 91387, MedGen C4707243, MONDO:0019625.

Allele frequency attached by ClinVar (database versions not stated): gnomAD exomes below 0.00001; gnomAD 0.00001; TOPMed 0.00002.
gnomAD v4.1: 6 of 1,614,064 alleles (0.00037%); highest among the groups gnomAD compares: African/African-American, 0.0013%; no homozygotes.

Submissions (4):

Labcorp Genetics (formerly Invitae), Labcorp
Classification: Uncertain significance for Aortic aneurysm, familial thoracic 7. Last evaluated: 2025-08-06. Review status: criteria provided, single submitter. Criteria: Invitae Variant Classification Sherloc (09022015). Collection method: clinical testing. Allele origin: germline.
Comment: This sequence change replaces glutamic acid, which is acidic and polar, with lysine, which is basic and polar, at codon 107 of the MYLK protein (p.Glu107Lys). This variant is not present in population databases (gnomAD no frequency). This variant has not been reported in the literature in individuals affected with MYLK-related conditions. ClinVar contains an entry for this variant (Variation ID: 1023170). Invitae Evidence Modeling of protein sequence and biophysical properties (such as structural, functional, and spatial information, amino acid conservation, physicochemical variation, residue mobility, and thermodynamic stability) indicates that this missense variant is not expected to disrupt MYLK protein function with a negative predictive value of 95%. In summary, the available evidence is currently insufficient to determine the role of this variant in disease. Therefore, it has been classified as a Variant of Uncertain Significance.

Ambry Genetics
Classification: Uncertain significance for Familial thoracic aortic aneurysm and aortic dissection. Last evaluated: 2024-06-21. Review status: criteria provided, single submitter. Criteria: Ambry Variant Classification Scheme 2023. Collection method: clinical testing. Allele origin: germline.
Comment: The p.E107K variant (also known as c.319G>A), located in coding exon 2 of the MYLK gene, results from a G to A substitution at nucleotide position 319. The glutamic acid at codon 107 is replaced by lysine, an amino acid with similar properties. This amino acid position is conserved. In addition, the in silico prediction for this alteration is inconclusive. Since supporting evidence is limited at this time, the clinical significance of this alteration remains unclear.

GeneDx
Classification: Uncertain significance. Last evaluated: 2023-12-06. Review status: criteria provided, single submitter. Criteria: GeneDx Variant Classification Process June 2021. Collection method: clinical testing. Allele origin: germline. Affected: yes.
Comment: Has not been previously published as pathogenic or benign to our knowledge; Not observed at significant frequency in large population cohorts (gnomAD); In silico analysis supports that this missense variant does not alter protein structure/function

Fulgent Genetics
Classification: Uncertain significance for Megacystis-microcolon-intestinal hypoperistalsis syndrome 1; Aortic aneurysm, familial thoracic 7. Last evaluated: 2021-08-13. Review status: criteria provided, single submitter. Criteria: ACMG Guidelines, 2015. Collection method: clinical testing. Allele origin: unknown.